The following is an entry in ClinVar:

ClinVar aggregate classification (germline): Uncertain significance (1 of 4 stars; one submission).

Allele frequency attached by ClinVar (database versions not stated): gnomAD exomes 0.00002.
gnomAD v4.1: 17 of 1,613,460 alleles (0.0011%); highest among the groups gnomAD compares: Non-Finnish European, 0.0014%; no homozygotes.

Submission:

Labcorp Genetics (formerly Invitae), Labcorp
Classification: Uncertain significance. Last evaluated: 2022-03-25. Review status: criteria provided, single submitter. Criteria: Invitae Variant Classification Sherloc (09022015). Collection method: clinical testing. Allele origin: germline.
Comment: This variant is not present in population databases (gnomAD no frequency). This sequence change replaces glutamine, which is neutral and polar, with arginine, which is basic and polar, at codon 638 of the TNNI3K protein (p.Gln638Arg). This variant has not been reported in the literature in individuals affected with TNNI3K-related conditions. In summary, the available evidence is currently insufficient to determine the role of this variant in disease. Therefore, it has been classified as a Variant of Uncertain Significance. Algorithms developed to predict the effect of missense changes on protein structure and function (SIFT, PolyPhen-2, Align-GVGD) all suggest that this variant is likely to be disruptive.

NM_015978.3(TNNI3K):c.1913A>G (p.Gln638Arg)

Genes: FPGT-TNNI3K (FPGT-TNNI3K readthrough; plus strand), TNNI3K (TNNI3 interacting kinase; plus strand). Cytogenetic location: 1p31.1.
Variant type: single nucleotide variant.
Coding change: c.1913A>G on transcript NM_015978.3 (MANE Select); coding-DNA position 1913, A replaced by G.
Protein change: p.Gln638Arg; replaces glutamine 638 with arginine.
Molecular consequence: missense variant.
Genome position (GRCh38, 1-based): chr1:74,439,524, A>G. VCF-style: chr1-74439524-A-G. GRCh37 (hg19) VCF-style: chr1-74905208-A-G.
Other names: c.2216A>G, p.Gln739Arg (NM_001112808.3, NM_001199327.2); short protein forms Q638R, Q739R.
Identifiers: ClinVar variation 2029769 (VCV002029769.4), dbSNP rs2524734157, ClinGen allele CA340789727.